The following is an entry in ClinVar:

ClinVar aggregate classification (germline): Pathogenic. Review status: criteria provided, multiple submitters, no conflicts (2 of 4 stars). 2 submissions from 2 submitters: Pathogenic (2). Last evaluated 2019-09-24.

Conditions:
Duchenne muscular dystrophy (DMD). Also called: MUSCULAR DYSTROPHY, PSEUDOHYPERTROPHIC PROGRESSIVE, DUCHENNE TYPE; Duchenne Muscular Dystrophy (DMD). Identifiers: Orphanet 98896, MedGen C0013264, MONDO:0010679, OMIM 310200.

Submissions (2):

Labcorp Genetics (formerly Invitae), Labcorp
Classification: Pathogenic for Duchenne muscular dystrophy. Last evaluated: 2019-09-24. Review status: criteria provided, single submitter. Criteria: Invitae Variant Classification Sherloc (09022015). Collection method: clinical testing. Allele origin: germline.
Comment: For these reasons, this variant has been classified as Pathogenic. Loss-of-function variants in DMD are known to be pathogenic (PMID: 16770791, 25007885). This variant has not been reported in the literature in individuals with DMD-related conditions. This variant is not present in population databases (ExAC no frequency). This sequence change creates a premature translational stop signal (p.Tyr3073*) in the DMD gene. It is expected to result in an absent or disrupted protein product.

Revvity Omics, Revvity
Classification: Pathogenic. Last evaluated: 2019-08-15. Review status: criteria provided, single submitter. Criteria: ACMG Guidelines, 2015. Collection method: clinical testing. Allele origin: germline.

Literature cited by the submitters: PubMed 16770791 (cited by Labcorp Genetics (formerly Invitae), Labcorp); PubMed 25007885 (cited by Labcorp Genetics (formerly Invitae), Labcorp).

NM_004006.3(DMD):c.9219_9222del (p.Tyr3072_Tyr3073insTer)

Gene: DMD (dystrophin; minus strand). Cytogenetic location: Xp21.2.
Variant type: Deletion.
Coding change: c.9219_9222del on transcript NM_004006.3 (MANE Select); coding-DNA positions 9219 to 9222, 4 bases deleted (TATC; older notation c.9219_9222delTATC).
Protein change: p.Tyr3072_Tyr3073insTer.
Molecular consequence: nonsense.
Genome position (GRCh38, 1-based): chrX:31,323,600-31,323,603, GATA deleted on the plus strand (TATC on the coding strand, the reverse complement: DMD is on the minus strand). VCF-style (leftmost placement, unchanged base first): chrX-31323599-TGATA-T. GRCh37 (hg19) VCF-style: chrX-31341716-TGATA-T.
Other names: c.9195_9198del, p.Tyr3064_Tyr3065insTer (NM_000109.4); c.9207_9210del, p.Tyr3068_Tyr3069insTer (NM_004009.3); c.8850_8853del, p.Tyr2949_Tyr2950insTer (NM_004010.3); c.5196_5199del, p.Tyr1731_Tyr1732insTer (NM_004011.4); c.5187_5190del, p.Tyr1728_Tyr1729insTer (NM_004012.4); c.1839_1842del, p.Tyr612_Tyr613insTer (NM_004013.3, NM_004020.4, NM_004021.3 and 2 more transcripts); c.1032_1035del, p.Tyr343_Tyr344insTer (NM_004014.3).
Identifiers: ClinVar variation 957115 (VCV000957115.11), dbSNP rs2056573240, ClinGen allele CA1139667354.
Genomic context (GRCh38, chrX:31,323,599, plus strand): 5'-TGAATATACAGGTTAGTCACAATAAATGCTCTTTTAAAAATGTGATACTTCCAACTTACT[TGATA>T]TAGTAGGGCACTTTGTTTGGCGAGATGGCTCTCTCCCAGGGACCCTGGACAGACGCTGAA-3'